The following is an entry in ClinVar:

NM_000492.4(CFTR):c.273+5G>A

Gene: CFTR (CF transmembrane conductance regulator; plus strand). Cytogenetic location: 7q31.2.
Variant type: single nucleotide variant.
Coding change: c.273+5G>A on transcript NM_000492.4 (MANE Select); 5 bases into the intron after coding-DNA position 273, G replaced by A.
Molecular consequence: intron variant.
Genome position (GRCh38, 1-based): chr7:117,509,147, G>A. VCF-style: chr7-117509147-G-A. GRCh37 (hg19) VCF-style: chr7-117149201-G-A.
Identifiers: ClinVar variation 4685887 (VCV004685887.1).

ClinVar aggregate classification (germline): Uncertain significance (1 of 4 stars; one submission).

Submission:

ARUP Laboratories, Molecular Genetics and Genomics, ARUP Laboratories
Classification: Uncertain significance. Last evaluated: 2025-06-16. Review status: criteria provided, single submitter. Criteria: ARUP Molecular Germline Variant Investigation Process 2024. Collection method: clinical testing. Allele origin: germline.
Comment: The CFTR c.273+5G>A variant (rs1486890338), to our knowledge, is not reported in the medical literature or gene specific databases. This variant is only observed on one allele in the Genome Aggregation Database (v2.1.1), indicating it is not a common polymorphism. This is an intronic variant and computational analyses (Alamut Visual Plus v.1.12) predict that this variant may impact splicing by weakening the nearby canonical donor splice site. Due to limited information, the clinical significance of this variant is uncertain at this time.